The following is an entry in ClinVar:

ClinVar aggregate classification (germline): Uncertain significance (1 of 4 stars; one submission).

Allele frequency attached by ClinVar (database versions not stated): TOPMed below 0.00001; gnomAD 0.00001.

Submission:

Labcorp Genetics (formerly Invitae), Labcorp
Classification: Uncertain significance. Last evaluated: 2022-03-24. Review status: criteria provided, single submitter. Criteria: Invitae Variant Classification Sherloc (09022015). Collection method: clinical testing. Allele origin: germline.
Comment: In summary, the available evidence is currently insufficient to determine the role of this variant in disease. Therefore, it has been classified as a Variant of Uncertain Significance. Algorithms developed to predict the effect of missense changes on protein structure and function (SIFT, PolyPhen-2, Align-GVGD) all suggest that this variant is likely to be tolerated. This variant has not been reported in the literature in individuals affected with TTC19-related conditions. This variant is not present in population databases (gnomAD no frequency). This sequence change replaces tyrosine, which is neutral and polar, with serine, which is neutral and polar, at codon 127 of the TTC19 protein (p.Tyr127Ser).

NM_017775.4(TTC19):c.380A>C (p.Tyr127Ser)

Gene: TTC19 (tetratricopeptide repeat domain 19; plus strand). Cytogenetic location: 17p12.
Variant type: single nucleotide variant.
Coding change: c.380A>C on transcript NM_017775.4 (MANE Select); coding-DNA position 380, A replaced by C.
Protein change: p.Tyr127Ser; replaces tyrosine 127 with serine.
Molecular consequence: missense variant.
Genome position (GRCh38, 1-based): chr17:16,001,982, A>C. VCF-style: chr17-16001982-A-C. GRCh37 (hg19) VCF-style: chr17-15905296-A-C.
Other names: c.59A>C, p.Tyr20Ser (NM_001271420.2); short protein forms Y20S, Y127S.
Identifiers: ClinVar variation 1911698 (VCV001911698.5), dbSNP rs1392485393, ClinGen allele CA398385129.